The following is an entry in ClinVar:

NM_018699.4(PRDM5):c.1030+20dup

Gene: PRDM5 (PR/SET domain 5; minus strand). Cytogenetic location: 4q27.
Variant type: Duplication.
Coding change: c.1030+20dup on transcript NM_018699.4 (MANE Select); 20 bases into the intron after coding-DNA position 1030, one base duplicated (T; older notation c.1030+20dupT).
Molecular consequence: intron variant.
Genome position (GRCh38, 1-based): chr4:120,799,641, A duplicated on the plus strand (T on the coding strand, the reverse complement: PRDM5 is on the minus strand); the first of 7 consecutive A bases (chr4:120,799,641-120,799,647); duplicating any one gives the same sequence. VCF-style (leftmost placement, unchanged base first): chr4-120799640-C-CA. GRCh37 (hg19) VCF-style: chr4-121720795-C-CA.
Other names: c.937+20dup (NM_001300824.2, NM_001379106.1, NM_001300823.2); c.1030+20dup (NM_001379104.1); c.1030+20dupT (NM_018699.4).
Identifiers: ClinVar variation 4848490 (VCV004848490.1).

ClinVar aggregate classification (germline): Benign (1 of 4 stars; one submission).

Submission:

Women's Health and Genetics/Laboratory Corporation of America, LabCorp
Classification: Benign. Last evaluated: 2026-04-16. Review status: criteria provided, single submitter. Criteria: LabCorp Variant Classification Summary - May 2015. Collection method: clinical testing. Allele origin: germline.
Comment: Variant summary: PRDM5 c.1030+20dupT alters a nucleotide located at a position not widely known to affect splicing. Consensus agreement among computation tools predict no significant impact on normal splicing. However, these predictions have yet to be confirmed by functional studies. The variant allele was found at a frequency of 0.00053 in 246346 control chromosomes, predominantly at a frequency of 0.007 within the African or African-American subpopulation in the gnomAD database, including 1 homozygotes. The observed variant frequency within African or African-American control individuals in the gnomAD database exceeds the estimated maximal expected allele frequency for disease-causing variants in PRDM5. To our knowledge, no occurrence of c.1030+20dupT in individuals affected with PRDM5-related conditions and no experimental evidence demonstrating its impact on protein function have been reported. No submitters have cited clinical-significance assessments for this variant to ClinVar. Based on the evidence outlined above, the variant was classified as benign.